The following is an entry in ClinVar:

NM_002693.3(POLG):c.*100G>A

Genes: FANCI (FA complementation group I; plus strand), POLG (DNA polymerase gamma, catalytic subunit; minus strand). Cytogenetic location: 15q26.1.
Variant type: single nucleotide variant.
Coding change: c.*100G>A on transcript NM_002693.3 (MANE Select); 100 bases downstream of the stop codon, G replaced by A.
Molecular consequence: 3 prime UTR variant.
Genome position (GRCh38, 1-based): chr15:89,316,651, C>T on the plus strand (G>A on the coding strand, the complement: POLG is on the minus strand). VCF-style: chr15-89316651-C-T. GRCh37 (hg19) VCF-style: chr15-89859882-C-T.
Other names: c.*100G>A (NM_001126131.2); c.*192C>T (NM_001113378.2, NM_001376910.1, NM_001376911.1 and 1 more transcripts).
Identifiers: ClinVar variation 886829 (VCV000886829.5), dbSNP rs770839560, ClinGen allele CA274538167.

ClinVar aggregate classification (germline): Uncertain significance. Review status: reviewed by expert panel (3 of 4 stars). 3 submissions from 2 submitters: Uncertain significance (1). 2 of the submissions do not count toward it. Last evaluated 2021-05-06.

Conditions:
POLG-related disorder. Also called: POLG-related condition; POLG-Related Disorders; POLG-Related Spectrum Disorders. Identifiers: MedGen C4763519.
Mitochondrial disease. Also called: Mitochondrial disorder; Mitochondrial disorders. Identifiers: Orphanet 68380, MedGen C0751651, MeSH D028361, MONDO:0044970.
Fanconi anemia complementation group I (FANCI). Also called: FANCI-Related Fanconi Anemia. Identifiers: Orphanet 84, MedGen C1836861, MONDO:0012186, OMIM 609053.

Allele frequency attached by ClinVar (database versions not stated): gnomAD exomes 0.00008; gnomAD 0.00011 and 0.00012; TOPMed 0.00005.
gnomAD v4.1: 96 of 1,210,068 alleles (0.0079%); highest among the groups gnomAD compares: Non-Finnish European, 0.011%; no homozygotes.

Submissions (3):

ClinGen Mitochondrial Disease Nuclear and Mitochondrial  Variant Curation Expert Panel, ClinGen
Classification: Uncertain significance for Mitochondrial disease. Last evaluated: 2021-05-06. Review status: reviewed by expert panel. Criteria: clingen mito disease acmg specifications v1-1. Collection method: curation. Allele origin: germline. Inheritance: Autosomal recessive inheritance.
Comment: The c.*100G>A variant in POLG was see in gnomAD at 0.013% allele frequency and not present in any homozygotes (PM2). There are no cases reported in the literature. In summary, this variant meets criteria to be classified as a variant of uncertain significance for mitochondrial disease inherited in an autosomal recessive manner. ntDNA ACMG/AMP criteria for POLG applied: PM2

Illumina Laboratory Services, Illumina
Classification: Uncertain significance for Fanconi anemia complementation group I. Last evaluated: 2018-01-13. Review status: criteria provided, single submitter. Criteria: ICSL Variant Classification Criteria 13 December 2019. Collection method: clinical testing. Allele origin: germline. Not counted in ClinVar's aggregate classification.

Illumina Laboratory Services, Illumina
Classification: Uncertain significance for POLG-Related Spectrum Disorders. Last evaluated: 2018-01-13. Review status: criteria provided, single submitter. Criteria: ICSL Variant Classification Criteria 13 December 2019. Collection method: clinical testing. Allele origin: germline. Not counted in ClinVar's aggregate classification.